The following is an entry in ClinVar:

ClinVar aggregate classification (germline): Uncertain significance (1 of 4 stars; one submission).

Conditions:
Autosomal recessive limb-girdle muscular dystrophy type 2A (LGMDR1). Also called: Muscular dystrophy, limb-girdle, type 2A, Amish; LEYDEN-MOEBIUS MUSCULAR DYSTROPHY; MUSCULAR DYSTROPHY, PELVOFEMORAL; Limb-girdle muscular dystrophy, type 2A; Calpainopathy. Identifiers: Orphanet 267, MedGen C1869123, MONDO:0009675, OMIM 253600. Disease mechanism: loss of function.

Submission:

Labcorp Genetics (formerly Invitae), Labcorp
Classification: Uncertain significance for Autosomal recessive limb-girdle muscular dystrophy type 2A. Last evaluated: 2026-01-19. Review status: criteria provided, single submitter. Criteria: Invitae Variant Classification Sherloc (09022015). Collection method: clinical testing. Allele origin: germline.
Comment: This sequence change replaces tryptophan, which is neutral and slightly polar, with cysteine, which is neutral and slightly polar, at codon 438 of the CAPN3 protein (p.Trp438Cys). This variant is not present in population databases (gnomAD no frequency). This missense change has been observed in individual(s) with clinical features of CAPN3-related conditions (PMID: 31268554, 39678382). Invitae Evidence Modeling of protein sequence and biophysical properties (such as structural, functional, and spatial information, amino acid conservation, physicochemical variation, residue mobility, and thermodynamic stability) indicates that this missense variant is expected to disrupt CAPN3 protein function with a positive predictive value of 80%. In summary, the available evidence is currently insufficient to determine the role of this variant in disease. Therefore, it has been classified as a Variant of Uncertain Significance.

Literature cited by the submitters: PubMed 31268554; PubMed 39678382.

NM_000070.3(CAPN3):c.1314G>T (p.Trp438Cys)

Gene: CAPN3 (calpain 3; plus strand). Cytogenetic location: 15q15.1.
Variant type: single nucleotide variant.
Coding change: c.1314G>T on transcript NM_000070.3 (MANE Select); coding-DNA position 1314, G replaced by T.
Protein change: p.Trp438Cys; replaces tryptophan 438 with cysteine.
Molecular consequence: missense variant.
Genome position (GRCh38, 1-based): chr15:42,399,612, G>T. VCF-style: chr15-42399612-G-T. GRCh37 (hg19) VCF-style: chr15-42691810-G-T.
Other names: c.1314G>T, p.Trp438Cys (NM_024344.2); c.1170G>T, p.Trp390Cys (NM_173087.2); short protein forms W438C, W390C.
Identifiers: ClinVar variation 4750153 (VCV004750153.1).